The following is an entry in ClinVar:

NM_001374353.1(GLI2):c.3766A>G (p.Met1256Val)

Gene: GLI2 (GLI family zinc finger 2; plus strand). Cytogenetic location: 2q14.2.
Variant type: single nucleotide variant.
Coding change: c.3766A>G on transcript NM_001374353.1 (MANE Select); coding-DNA position 3766, A replaced by G.
Protein change: p.Met1256Val; replaces methionine 1256 with valine.
Molecular consequence: missense variant.
Genome position (GRCh38, 1-based): chr2:120,989,731, A>G. VCF-style: chr2-120989731-A-G. GRCh37 (hg19) VCF-style: chr2-121747307-A-G.
Other names: c.3817A>G, p.Met1273Val (NM_001371271.1, NM_005270.5); c.3391A>G, p.Met1131Val (NM_001374354.1); short protein forms M1131V, M1256V, M1273V.
Identifiers: ClinVar variation 2954192 (VCV002954192.3), dbSNP rs2467781038, ClinGen allele CA348176250.
Genomic context (GRCh38, chr2:120,989,731, plus strand): 5'-CAGCTGAGCCCCAGCACCATCAGTGGGGCCCTCAACCAGTTCCCCCAATCCTGCAGCAAC[A>G]TGCCAGCCAAGCCAGGGCATCTGGGGCACCCTCAGCAGACAGAAGTGGCACCTGACCCCA-3'
Protein context (NP_001361282.1, residues 1246-1266): LNQFPQSCSN[Met1256Val]PAKPGHLGHP

ClinVar aggregate classification (germline): Uncertain significance (1 of 4 stars; one submission).

Conditions:
Holoprosencephaly 9 (HPE9). Also called: PITUITARY ANOMALIES WITH HOLOPROSENCEPHALY-LIKE FEATURES; HOLOPROSENCEPHALY WITH MICROPHTHALMIA AND FIRST BRANCHIAL ARCH ANOMALIES. Identifiers: Orphanet 2162, MedGen C1835819, MONDO:0012563, OMIM 610829.
Postaxial polydactyly-anterior pituitary anomalies-facial dysmorphism syndrome. Also called: Culler-Jones syndrome. Identifiers: Orphanet 420584, MedGen C4014479, MONDO:0014369, OMIM 615849.

Allele frequency attached by ClinVar (database versions not stated): gnomAD exomes below 0.00001.

Submission:

Labcorp Genetics (formerly Invitae), Labcorp
Classification: Uncertain significance for Postaxial polydactyly-anterior pituitary anomalies-facial dysmorphism syndrome; Holoprosencephaly 9. Last evaluated: 2023-11-27. Review status: criteria provided, single submitter. Criteria: Invitae Variant Classification Sherloc (09022015). Collection method: clinical testing. Allele origin: germline.
Comment: This sequence change replaces methionine, which is neutral and non-polar, with valine, which is neutral and non-polar, at codon 1273 of the GLI2 protein (p.Met1273Val). This variant is not present in population databases (gnomAD no frequency). This variant has not been reported in the literature in individuals affected with GLI2-related conditions. Advanced modeling of protein sequence and biophysical properties (such as structural, functional, and spatial information, amino acid conservation, physicochemical variation, residue mobility, and thermodynamic stability) performed at Invitae indicates that this missense variant is not expected to disrupt GLI2 protein function with a negative predictive value of 80%. In summary, the available evidence is currently insufficient to determine the role of this variant in disease. Therefore, it has been classified as a Variant of Uncertain Significance.